The following is an entry in ClinVar:

ClinVar aggregate classification (germline): Uncertain significance (1 of 4 stars; one submission).

Conditions:
Diamond-Blackfan anemia. Also called: Blackfan Diamond syndrome; Aregenerative anemia chronic congenital; Red cell aplasia, pure hereditary; Congenital hypoplastic anemia; Aase syndrome. Identifiers: Orphanet 124, MedGen C1260899, MeSH D029503, MONDO:0015253, HP:0004810.

gnomAD v4.1: 17 of 1,613,316 alleles (0.0011%); highest among the groups gnomAD compares: Middle Eastern, 0.016%; 1 homozygote.

Submission:

Labcorp Genetics (formerly Invitae), Labcorp
Classification: Uncertain significance for Diamond-Blackfan anemia. Last evaluated: 2025-05-06. Review status: criteria provided, single submitter. Criteria: Invitae Variant Classification Sherloc (09022015). Collection method: clinical testing. Allele origin: germline.
Comment: This sequence change replaces proline, which is neutral and non-polar, with leucine, which is neutral and non-polar, at codon 2 of the RPS19 protein (p.Pro2Leu). This variant is present in population databases (rs781815831, gnomAD 0.006%). This variant has not been reported in the literature in individuals affected with RPS19-related conditions. An algorithm developed to predict the effect of missense changes on protein structure and function (PolyPhen-2) suggests that this variant is likely to be disruptive. In summary, the available evidence is currently insufficient to determine the role of this variant in disease. Therefore, it has been classified as a Variant of Uncertain Significance.

NM_001022.4(RPS19):c.5C>T (p.Pro2Leu)

Genes: RPS19 (ribosomal protein S19; plus strand), RPS19-CD79A (RPS19-CD79A readthrough; plus strand). Cytogenetic location: 19q13.2.
Variant type: single nucleotide variant.
Coding change: c.5C>T on transcript NM_001022.4 (MANE Select); coding-DNA position 5, C replaced by T.
Protein change: p.Pro2Leu; replaces proline 2 with leucine.
Molecular consequence: missense variant.
Genome position (GRCh38, 1-based): chr19:41,860,779, C>T. VCF-style: chr19-41860779-C-T. GRCh37 (hg19) VCF-style: chr19-42364849-C-T.
Other names: c.5C>T, p.Pro2Leu (NM_001321483.2, NM_001321484.2, NM_001321485.2); short protein forms P2L.
Identifiers: ClinVar variation 4810365 (VCV004810365.1).